The following is an entry in ClinVar:

ClinVar aggregate classification (germline): Uncertain significance (1 of 4 stars; one submission).

Allele frequency attached by ClinVar (database versions not stated): gnomAD exomes 0.00002; TOPMed 0.00002; gnomAD 0.00003 and 0.00004.
gnomAD v4.1: 17 of 1,614,114 alleles (0.0011%); highest among the groups gnomAD compares: African/African-American, 0.0067%; no homozygotes.

Submission:

Labcorp Genetics (formerly Invitae), Labcorp
Classification: Uncertain significance. Last evaluated: 2022-01-03. Review status: criteria provided, single submitter. Criteria: Invitae Variant Classification Sherloc (09022015). Collection method: clinical testing. Allele origin: germline.
Comment: In summary, the available evidence is currently insufficient to determine the role of this variant in disease. Therefore, it has been classified as a Variant of Uncertain Significance. Advanced modeling of protein sequence and biophysical properties (such as structural, functional, and spatial information, amino acid conservation, physicochemical variation, residue mobility, and thermodynamic stability) performed at Invitae indicates that this missense variant is not expected to disrupt ATP2B2 protein function. This variant has not been reported in the literature in individuals affected with ATP2B2-related conditions. This variant is present in population databases (rs779940389, gnomAD 0.007%). This sequence change replaces serine, which is neutral and polar, with leucine, which is neutral and non-polar, at codon 18 of the ATP2B2 protein (p.Ser18Leu).

NM_001001331.4(ATP2B2):c.53C>T (p.Ser18Leu)

Gene: ATP2B2 (ATPase plasma membrane Ca2+ transporting 2; minus strand). Cytogenetic location: 3p25.3.
Variant type: single nucleotide variant.
Coding change: c.53C>T on transcript NM_001001331.4 (MANE Select); coding-DNA position 53, C replaced by T.
Protein change: p.Ser18Leu; replaces serine 18 with leucine.
Molecular consequence: missense variant.
Genome position (GRCh38, 1-based): chr3:10,449,491, G>A on the plus strand (C>T on the coding strand, the complement: ATP2B2 is on the minus strand). VCF-style: chr3-10449491-G-A. GRCh37 (hg19) VCF-style: chr3-10491175-G-A.
Other names: c.53C>T, p.Ser18Leu (NM_001330611.3, NM_001353564.1, NM_001363862.1 and 1 more transcripts); short protein forms S18L.
Identifiers: ClinVar variation 1403979 (VCV001403979.6), dbSNP rs779940389, ClinGen allele CA2254126.